The following is an entry in ClinVar:

ClinVar aggregate classification (germline): Uncertain significance. Review status: criteria provided, multiple submitters, no conflicts (2 of 4 stars). 2 submissions from 2 submitters: Uncertain significance (2). Last evaluated 2023-07-17.

Conditions:
Hypertrophic cardiomyopathy. Also called: HYPERTROPHIC MYOCARDIOPATHY. Identifiers: Orphanet 217569, MedGen C0007194, MeSH D002312, MONDO:0005045, HP:0001639.
Cardiomyopathy (CMYO). Also called: Cardiomyopathies. Identifiers: Orphanet 167848, MedGen C0878544, MONDO:0004994, HP:0001638. Inheritance: Various modes of inheritance.

Allele frequency attached by ClinVar (database versions not stated): ExAC 0.00001; gnomAD exomes 0.00001.
gnomAD v4.1: 4 of 1,614,222 alleles (0.00025%); highest among the groups gnomAD compares: Non-Finnish European, 0.00025%; no homozygotes.

Submissions (2):

Color Diagnostics, LLC DBA Color Health
Classification: Uncertain significance for Cardiomyopathy. Last evaluated: 2023-07-17. Review status: criteria provided, single submitter. Criteria: ACMG Guidelines, 2015. Collection method: clinical testing. Allele origin: germline.
Comment: This missense variant replaces alanine with valine at codon 1922 of the MYH7 protein. Computational prediction suggests that this variant may not impact protein structure and function (internally defined REVEL score threshold <= 0.5, PMID: 27666373). To our knowledge, functional studies have not been reported for this variant. This variant has not been reported in individuals affected with MYH7-related disorders in the literature. This variant has been identified in 2/251372 chromosomes in the general population by the Genome Aggregation Database (gnomAD). The available evidence is insufficient to determine the role of this variant in disease conclusively. Therefore, this variant is classified as a Variant of Uncertain Significance.

Labcorp Genetics (formerly Invitae), Labcorp
Classification: Uncertain significance for Hypertrophic cardiomyopathy. Last evaluated: 2023-06-05. Review status: criteria provided, single submitter. Criteria: Invitae Variant Classification Sherloc (09022015). Collection method: clinical testing. Allele origin: germline.
Comment: In summary, the available evidence is currently insufficient to determine the role of this variant in disease. Therefore, it has been classified as a Variant of Uncertain Significance. Advanced modeling of protein sequence and biophysical properties (such as structural, functional, and spatial information, amino acid conservation, physicochemical variation, residue mobility, and thermodynamic stability) has been performed at Invitae for this missense variant, however the output from this modeling did not meet the statistical confidence thresholds required to predict the impact of this variant on MYH7 protein function. This sequence change replaces alanine, which is neutral and non-polar, with valine, which is neutral and non-polar, at codon 1922 of the MYH7 protein (p.Ala1922Val). This variant is present in population databases (rs777524474, gnomAD 0.0009%). This variant has not been reported in the literature in individuals affected with MYH7-related conditions. ClinVar contains an entry for this variant (Variation ID: 941512).

NM_000257.4(MYH7):c.5765C>T (p.Ala1922Val)

Gene: MYH7 (myosin heavy chain 7; minus strand). Cytogenetic location: 14q11.2.
Variant type: single nucleotide variant.
Coding change: c.5765C>T on transcript NM_000257.4 (MANE Select); coding-DNA position 5765, C replaced by T.
Protein change: p.Ala1922Val; replaces alanine 1922 with valine.
Molecular consequence: missense variant.
Genome position (GRCh38, 1-based): chr14:23,413,784, G>A on the plus strand (C>T on the coding strand, the complement: MYH7 is on the minus strand). VCF-style: chr14-23413784-G-A. GRCh37 (hg19) VCF-style: chr14-23882993-G-A.
Other names: short protein forms A1922V.
Identifiers: ClinVar variation 941512 (VCV000941512.8), dbSNP rs777524474, ClinGen allele CA048194.